The following is an entry in ClinVar:

ClinVar aggregate classification (germline): Uncertain significance. Review status: criteria provided, multiple submitters, no conflicts (2 of 4 stars). 3 submissions from 3 submitters: Uncertain significance (3). Last evaluated 2023-06-22.

Conditions:
Meckel-Gruber syndrome. Also called: Dysencephalia splachnocystica; DYSENCEPHALIA SPLANCHNOCYSTICA; GRUBER SYNDROME. Identifiers: Orphanet 564, MedGen C0265215, MONDO:0018921.
Joubert syndrome. Also called: Familial aplasia of the vermis; JOUBERT-BOLTSHAUSER SYNDROME. Identifiers: Orphanet 475, MedGen C5979921, MONDO:0018772.
Meckel syndrome, type 6. Identifiers: Orphanet 564, MedGen C2676790, MONDO:0012848, OMIM 612284.
Joubert syndrome 9 (JBTS9). Identifiers: Orphanet 2318, MedGen C2676788, MONDO:0012849, OMIM 612285.
Retinitis pigmentosa 93. Identifiers: MedGen C5676970, MONDO:0030797, OMIM 619845.
COACH syndrome 2. Identifiers: MedGen C5436837, MONDO:0030859, OMIM 619111.

Allele frequency attached by ClinVar (database versions not stated): gnomAD exomes 0.00001; gnomAD 0.00002; TOPMed 0.00003.
gnomAD v4.1: 6 of 1,577,922 alleles (0.00038%); highest among the groups gnomAD compares: Admixed American, 0.011%; no homozygotes.

Submissions (3):

GeneDx
Classification: Uncertain significance. Last evaluated: 2023-06-22. Review status: criteria provided, single submitter. Criteria: GeneDx Variant Classification Process June 2021. Collection method: clinical testing. Allele origin: germline. Affected: yes.
Comment: Not observed at significant frequency in large population cohorts (gnomAD); In silico analysis supports that this missense variant does not alter protein structure/function; Has not been previously published as pathogenic or benign to our knowledge

Labcorp Genetics (formerly Invitae), Labcorp
Classification: Uncertain significance for Joubert syndrome; Meckel-Gruber syndrome. Last evaluated: 2022-08-06. Review status: criteria provided, single submitter. Criteria: Invitae Variant Classification Sherloc (09022015). Collection method: clinical testing. Allele origin: germline.
Comment: This sequence change replaces glutamine, which is neutral and polar, with arginine, which is basic and polar, at codon 665 of the CC2D2A protein (p.Gln665Arg). This variant is not present in population databases (gnomAD no frequency). This variant has not been reported in the literature in individuals affected with CC2D2A-related conditions. ClinVar contains an entry for this variant (Variation ID: 939875). Advanced modeling of protein sequence and biophysical properties (such as structural, functional, and spatial information, amino acid conservation, physicochemical variation, residue mobility, and thermodynamic stability) performed at Invitae indicates that this missense variant is not expected to disrupt CC2D2A protein function. In summary, the available evidence is currently insufficient to determine the role of this variant in disease. Therefore, it has been classified as a Variant of Uncertain Significance.

Fulgent Genetics
Classification: Uncertain significance for Meckel syndrome, type 6; Joubert syndrome 9; COACH syndrome 2; Retinitis pigmentosa 93. Last evaluated: 2021-08-24. Review status: criteria provided, single submitter. Criteria: ACMG Guidelines, 2015. Collection method: clinical testing. Allele origin: unknown.

NM_001378615.1(CC2D2A):c.1994A>G (p.Gln665Arg)

Genes: CC2D2A (coiled-coil and C2 domain containing 2A; plus strand), FBXL5 (F-box and leucine rich repeat protein 5; minus strand). Cytogenetic location: 4p15.32.
Variant type: single nucleotide variant.
Coding change: c.1994A>G on transcript NM_001378615.1 (MANE Select); coding-DNA position 1994, A replaced by G.
Protein change: p.Gln665Arg; replaces glutamine 665 with arginine.
Molecular consequence: missense variant.
Genome position (GRCh38, 1-based): chr4:15,538,128, A>G. VCF-style: chr4-15538128-A-G. GRCh37 (hg19) VCF-style: chr4-15539751-A-G.
Other names: c.1994A>G, p.Gln665Arg (NM_001080522.2); c.1847A>G, p.Gln616Arg (NM_001378617.1); short protein forms Q616R, Q665R.
Identifiers: ClinVar variation 939875 (VCV000939875.9), dbSNP rs1718235188, ClinGen allele CA356412015.